The following is an entry in ClinVar:

ClinVar aggregate classification (germline): Likely benign (1 of 4 stars; one submission).

gnomAD v4.1: 698 of 1,613,918 alleles (0.043%); highest among the groups gnomAD compares: East Asian, 1.5%; 14 homozygotes.

Submission:

Mayo Clinic Laboratories, Mayo Clinic
Classification: Likely benign. Last evaluated: 2025-04-10. Review status: criteria provided, single submitter. Criteria: ACMG Guidelines, 2015. Collection method: clinical testing. Allele origin: germline. Observed: 1 variant allele.
Comment: BP4, BP7

NM_007098.4(CLTCL1):c.1644+7G>A

Gene: CLTCL1 (clathrin heavy chain like 1; minus strand). Cytogenetic location: 22q11.21.
Variant type: single nucleotide variant.
Coding change: c.1644+7G>A on transcript NM_007098.4 (MANE Select); 7 bases into the intron after coding-DNA position 1644, G replaced by A.
Molecular consequence: intron variant.
Genome position (GRCh38, 1-based): chr22:19,232,469, C>T on the plus strand (G>A on the coding strand, the complement: CLTCL1 is on the minus strand). VCF-style: chr22-19232469-C-T. GRCh37 (hg19) VCF-style: chr22-19219992-C-T.
Other names: p.?; c.1644+7G>A (NM_001835.4).
Identifiers: ClinVar variation 4684459 (VCV004684459.1).
Genomic context (GRCh38, chr22:19,232,469, plus strand): 5'-AATCAAAGAAATCTTCTAGATGGCTCTAAAAAGCCACAAAAAGTTGTCCAAAACTGCCTA[C>T]GCTCACCTGGCTAATGTTGGCCAGCGGCTCCTCGTCCTGCACTAGCATTCGAGAAAACTG-3'